The following is an entry in ClinVar:

NM_000321.3(RB1):c.-197G>C

Gene: RB1 (RB transcriptional corepressor 1; plus strand). Cytogenetic location: 13q14.2.
Variant type: single nucleotide variant.
Coding change: c.-197G>C on transcript NM_000321.3 (MANE Select); 197 bases upstream of the start codon, G replaced by C.
Genome position (GRCh38, 1-based): chr13:48,303,716, G>C. VCF-style: chr13-48303716-G-C. GRCh37 (hg19) VCF-style: chr13-48877852-G-C.
Identifiers: ClinVar variation 3236979 (VCV003236979.1), dbSNP rs2542091863.

ClinVar aggregate classification (germline): Likely pathogenic (1 of 4 stars; one submission).

Conditions:
Retinoblastoma (RB1). Also called: RETINOBLASTOMA, SOMATIC. Identifiers: Orphanet 790, MedGen C0035335, MeSH D012175, MONDO:0008380, OMIM 180200, HP:0009919. Disease mechanism: loss of function. Inheritance: Both sporadic and heritable forms are tested..

Submission:

Genetic Diagnostic Laboratory, University of Pennsylvania School of Medicine
Classification: Likely pathogenic for Retinoblastoma. Last evaluated: 2024-05-20. Review status: criteria provided, single submitter. Criteria: ACMG Guidelines, 2015. Collection method: clinical testing. Allele origin: germline. Affected: yes. Observed: 1 variant allele.
Comment: Case and Pedigree Information: BILATERAL CASES:1, UNILATERAL CASES:0, TOTAL CASES:1, PEDIGREES:1. ACMG Codes Applied:PM1, PM2